The following is an entry in ClinVar:

NM_001382391.1(CSPP1):c.3355C>A (p.Pro1119Thr)

Genes: ARFGEF1 (ARF guanine nucleotide exchange factor 1; minus strand), CSPP1 (centrosome and spindle pole associated protein 1; plus strand). Cytogenetic location: 8q13.2.
Variant type: single nucleotide variant.
Coding change: c.3355C>A on transcript NM_001382391.1 (MANE Select); coding-DNA position 3355, C replaced by A.
Protein change: p.Pro1119Thr; replaces proline 1119 with threonine.
Molecular consequence: missense variant. On other transcripts: intron variant (3).
Genome position (GRCh38, 1-based): chr8:67,193,488, C>A. VCF-style: chr8-67193488-C-A. GRCh37 (hg19) VCF-style: chr8-68105723-C-A.
Other names: c.2305C>A, p.Pro769Thr (NM_001291339.2); c.3274C>A, p.Pro1092Thr (NM_001363131.2); c.3160C>A, p.Pro1054Thr (NM_001363132.2); c.3079C>A, p.Pro1027Thr (NM_001363133.2); c.3421C>A, p.Pro1141Thr (NM_001364869.1); c.3241C>A, p.Pro1081Thr (NM_001364870.1); c.3187C>A, p.Pro1063Thr (NM_001438330.1); c.2656C>A, p.Pro886Thr (NM_001438332.1); and 4 more; short protein forms P1027T, P1054T, P1081T, P1092T, P1114T, P1119T, P1141T, P769T.
Identifiers: ClinVar variation 1053010 (VCV001053010.7), dbSNP rs1017040124, ClinGen allele CA371202904.
Genomic context (GRCh38, chr8:67,193,488, plus strand): 5'-TTAATGACTTTCTGAAGTTCTGTTTTCTAACTACAGGATAGCAGTCGTCCTAATGTAGCA[C>A]CAGATGGTCTCTCTCTAAAATCTATATCCAGTGTAAATGTTGATGAGCTTAGAGTGAGAA-3'
Protein context (NP_001369320.1, residues 1109-1129): DIDSSRPNVA[Pro1119Thr]DGLSLKSISS

ClinVar aggregate classification (germline): Uncertain significance (1 of 4 stars; one submission).

Conditions:
Joubert syndrome 21 (JBTS21). Identifiers: MedGen C3810212, MONDO:0014288, OMIM 615636.

Allele frequency attached by ClinVar (database versions not stated): gnomAD 0.00001.
gnomAD v4.1: 8 of 1,613,082 alleles (0.0005%); highest among the groups gnomAD compares: African/African-American, 0.004%; no homozygotes.

Submission:

Labcorp Genetics (formerly Invitae), Labcorp
Classification: Uncertain significance for Joubert syndrome 21. Last evaluated: 2021-08-02. Review status: criteria provided, single submitter. Criteria: Invitae Variant Classification Sherloc (09022015). Collection method: clinical testing. Allele origin: germline.
Comment: In summary, the available evidence is currently insufficient to determine the role of this variant in disease. Therefore, it has been classified as a Variant of Uncertain Significance. Algorithms developed to predict the effect of missense changes on protein structure and function are either unavailable or do not agree on the potential impact of this missense change (SIFT: "Tolerated"; PolyPhen-2: "Possibly Damaging"; Align-GVGD: "Class C0"). This variant has not been reported in the literature in individuals with CSPP1-related conditions. This variant is not present in population databases (ExAC no frequency). This sequence change replaces proline with threonine at codon 1114 of the CSPP1 protein (p.Pro1114Thr). The proline residue is moderately conserved and there is a small physicochemical difference between proline and threonine.